The following is an entry in ClinVar:

NM_001371727.1(GABRB2):c.735T>A (p.Phe245Leu)

Gene: GABRB2 (gamma-aminobutyric acid type A receptor subunit beta2; minus strand). Cytogenetic location: 5q34.
Variant type: single nucleotide variant.
Coding change: c.735T>A on transcript NM_001371727.1 (MANE Select); coding-DNA position 735, T replaced by A.
Protein change: p.Phe245Leu; replaces phenylalanine 245 with leucine.
Molecular consequence: missense variant.
Genome position (GRCh38, 1-based): chr5:161,334,849, A>T on the plus strand (T>A on the coding strand, the complement: GABRB2 is on the minus strand). VCF-style: chr5-161334849-A-T. GRCh37 (hg19) VCF-style: chr5-160761856-A-T.
Other names: c.735T>A, p.Phe245Leu (NM_000813.3, NM_021911.3); short protein forms F245L.
Identifiers: ClinVar variation 430271 (VCV000430271.4), dbSNP rs1131691875, ClinGen allele CA362171683.
Genomic context (GRCh38, chr5:161,334,849, plus strand): 5'-CCAGAAGGAGACCCAGGAGAGGATGGTAATCAGGATGGAAGGCATGTATGTTTGCAGGAT[A>T]AAGTAGCCAATGTTTCTCTTAAGCTTAAAGCTGAGGGATAACCTGGGATAGGAACCTAGA-3'
Protein context (NP_001358656.1, residues 235-255): SFKLKRNIGY[Phe245Leu]ILQTYMPSIL

ClinVar aggregate classification (germline): Pathogenic/Likely pathogenic. Review status: criteria provided, multiple submitters, no conflicts (2 of 4 stars). 2 submissions from 2 submitters: Pathogenic (1); Likely pathogenic (1). Last evaluated 2024-10-15.

Conditions:
Intellectual disability. Also called: Intellectual developmental disorder; Intellectual functioning disability; intellectual disabilities. Identifiers: MedGen C3714756, MeSH D008607, MONDO:0001071, HP:0001249.

Submissions (2):

Labcorp Genetics (formerly Invitae), Labcorp
Classification: Pathogenic for Intellectual disability. Last evaluated: 2024-10-15. Review status: criteria provided, single submitter. Criteria: Invitae Variant Classification Sherloc (09022015). Collection method: clinical testing. Allele origin: germline.
Comment: This sequence change replaces phenylalanine, which is neutral and non-polar, with leucine, which is neutral and non-polar, at codon 245 of the GABRB2 protein (p.Phe245Leu). This variant is not present in population databases (gnomAD no frequency). This missense change has been observed in individual(s) with developmental and epileptic encephalopathy (PMID: 33325057). In at least one individual the variant was observed to be de novo. ClinVar contains an entry for this variant (Variation ID: 430271). Invitae Evidence Modeling of protein sequence and biophysical properties (such as structural, functional, and spatial information, amino acid conservation, physicochemical variation, residue mobility, and thermodynamic stability) indicates that this missense variant is expected to disrupt GABRB2 protein function with a positive predictive value of 95%. For these reasons, this variant has been classified as Pathogenic.

GeneDx
Classification: Likely pathogenic. Last evaluated: 2015-11-16. Review status: criteria provided, single submitter. Criteria: GeneDx Variant Classification (06012015). Collection method: clinical testing. Allele origin: germline. Affected: yes.
Comment: The F245L variant in the GABRB2 gene has not been reported previously as a pathogenic variant, nor as a benign variant, to our knowledge. The F245L variant was not observed in approximately 6500 individuals of European and African American ancestry in the NHLBI Exome Sequencing Project, indicating it is not a common benign variant in these populations. The F245L variant is a conservative amino acid substitution, which occurs at a position that is conserved across species. In silico analysis predicts this variant is probably damaging to the protein structure/function. The F245L variant is a strong candidate for a pathogenic variant

Literature cited by the submitters: PubMed 33325057 (cited by Labcorp Genetics (formerly Invitae), Labcorp).